The following is an entry in ClinVar:

ClinVar aggregate classification (germline): Uncertain significance. Review status: criteria provided, multiple submitters, no conflicts (2 of 4 stars). 4 submissions from 4 submitters: Uncertain significance (4). Last evaluated 2025-11-11.

Conditions:
Catecholaminergic polymorphic ventricular tachycardia 1. Also called: RYR2-Related Catecholaminergic Polymorphic Ventricular Tachycardia; VENTRICULAR TACHYCARDIA, CATECHOLAMINERGIC POLYMORPHIC, 1, WITH OR WITHOUT ATRIAL DYSFUNCTION AND/OR DILATED CARDIOMYOPATHY; VENTRICULAR TACHYCARDIA, STRESS-INDUCED POLYMORPHIC 1. Identifiers: Orphanet 3286, MedGen C1631597, MONDO:0011484, OMIM 604772.
Cardiomyopathy (CMYO). Also called: Cardiomyopathies. Identifiers: Orphanet 167848, MedGen C0878544, MONDO:0004994, HP:0001638. Inheritance: Various modes of inheritance.
RYR2-related disorder. Also called: RYR2-related condition.

Allele frequency attached by ClinVar (database versions not stated): ExAC 0.00001; gnomAD 0.00001; gnomAD exomes 0.00001; TOPMed 0.00001.
gnomAD v4.1: 20 of 1,609,026 alleles (0.0012%); highest among the groups gnomAD compares: Non-Finnish European, 0.0017%; no homozygotes.

Submissions (4):

PreventionGenetics, part of Exact Sciences
Classification: Uncertain significance for RYR2-related condition. Last evaluated: 2025-11-11. Review status: criteria provided, single submitter. Criteria: ACMG Guidelines, 2015. Collection method: clinical testing. Allele origin: germline.
Comment: The RYR2 c.2863G>A variant is predicted to result in the amino acid substitution p.Glu955Lys. To our knowledge, this variant has not been reported in the literature. This variant is reported in 0.0018% of alleles in individuals of European (Non-Finnish) descent in gnomAD. At this time, the clinical significance of this variant is uncertain due to the absence of conclusive functional and genetic evidence.

Labcorp Genetics (formerly Invitae), Labcorp
Classification: Uncertain significance for Catecholaminergic polymorphic ventricular tachycardia 1. Last evaluated: 2025-08-20. Review status: criteria provided, single submitter. Criteria: Invitae Variant Classification Sherloc (09022015). Collection method: clinical testing. Allele origin: germline.
Comment: This sequence change replaces glutamic acid, which is acidic and polar, with lysine, which is basic and polar, at codon 955 of the RYR2 protein (p.Glu955Lys). This variant is present in population databases (rs745798722, gnomAD 0.002%). This variant has not been reported in the literature in individuals affected with RYR2-related conditions. ClinVar contains an entry for this variant (Variation ID: 965446). Invitae Evidence Modeling of protein sequence and biophysical properties (such as structural, functional, and spatial information, amino acid conservation, physicochemical variation, residue mobility, and thermodynamic stability) indicates that this missense variant is not expected to disrupt RYR2 protein function with a negative predictive value of 95%. In summary, the available evidence is currently insufficient to determine the role of this variant in disease. Therefore, it has been classified as a Variant of Uncertain Significance.

Color Diagnostics, LLC DBA Color Health
Classification: Uncertain significance for Cardiomyopathy. Last evaluated: 2025-07-29. Review status: criteria provided, single submitter. Criteria: ACMG Guidelines, 2015. Collection method: clinical testing. Allele origin: germline.
Comment: This missense variant replaces glutamic acid with lysine at codon 955 of the RYR2 protein. Computational prediction is inconclusive regarding the impact of this variant on protein structure and function. To our knowledge, functional studies have not been reported for this variant. This variant has not been reported in individuals affected with RYR2-related disorders in the literature. This variant has been identified in 2/241256 chromosomes in the general population by the Genome Aggregation Database (gnomAD). The available evidence is insufficient to determine the role of this variant in disease conclusively. Therefore, this variant is classified as a Variant of Uncertain Significance.

Mayo Clinic Laboratories, Mayo Clinic
Classification: Uncertain significance. Last evaluated: 2024-05-31. Review status: criteria provided, single submitter. Criteria: ACMG Guidelines, 2015. Collection method: clinical testing. Allele origin: germline. Observed: 1 variant allele.
Comment: PP2

NM_001035.3(RYR2):c.2863G>A (p.Glu955Lys)

Gene: RYR2 (ryanodine receptor 2; plus strand). Cytogenetic location: 1q43.
Variant type: single nucleotide variant.
Coding change: c.2863G>A on transcript NM_001035.3 (MANE Select); coding-DNA position 2863, G replaced by A.
Protein change: p.Glu955Lys; replaces glutamic acid 955 with lysine.
Molecular consequence: missense variant.
Genome position (GRCh38, 1-based): chr1:237,530,467, G>A. VCF-style: chr1-237530467-G-A. GRCh37 (hg19) VCF-style: chr1-237693767-G-A.
Other names: p.Glu955Lys; short protein forms E955K.
Identifiers: ClinVar variation 965446 (VCV000965446.10), dbSNP rs745798722, ClinGen allele CA086223.